The following is an entry in ClinVar:

NM_024675.4(PALB2):c.1012C>T (p.Pro338Ser)

Gene: PALB2 (partner and localizer of BRCA2; minus strand). Cytogenetic location: 16p12.2.
Variant type: single nucleotide variant.
Coding change: c.1012C>T on transcript NM_024675.4 (MANE Select); coding-DNA position 1012, C replaced by T.
Protein change: p.Pro338Ser; replaces proline 338 with serine.
Molecular consequence: missense variant.
Genome position (GRCh38, 1-based): chr16:23,635,534, G>A on the plus strand (C>T on the coding strand, the complement: PALB2 is on the minus strand). VCF-style: chr16-23635534-G-A. GRCh37 (hg19) VCF-style: chr16-23646855-G-A.
Other names: short protein forms P338S.
Identifiers: ClinVar variation 1003623 (VCV001003623.13), dbSNP rs560853558, ClinGen allele CA395134436.

ClinVar aggregate classification (germline): Conflicting classifications of pathogenicity. Review status: criteria provided, conflicting classifications (1 of 4 stars). 3 submissions from 3 submitters: Uncertain significance (2); Likely benign (1). Last evaluated 2025-03-14.

Conditions:
Hereditary cancer-predisposing syndrome. Also called: Hereditary neoplastic syndrome; Neoplastic Syndromes, Hereditary; Tumor predisposition; Hereditary Cancer Syndrome. Identifiers: Orphanet 140162, MedGen C0027672, MeSH D009386, MONDO:0015356.
Familial cancer of breast. Also called: Hereditary breast cancer; hereditary breast carcinoma; BREAST CANCER, FAMILIAL. Identifiers: Orphanet 227535, MedGen C0346153, MONDO:0016419, OMIM 114480. Disease mechanism: loss of function.

Submissions (3):

GeneDx
Classification: Uncertain significance. Last evaluated: 2025-03-14. Review status: criteria provided, single submitter. Criteria: GeneDx Variant Classification Process June 2021. Collection method: clinical testing. Allele origin: germline. Affected: yes.
Comment: Not observed at significant frequency in large population cohorts (gnomAD); In silico analysis indicates that this missense variant does not alter protein structure/function; Has not been previously published as pathogenic or benign to our knowledge

Labcorp Genetics (formerly Invitae), Labcorp
Classification: Uncertain significance for Familial cancer of breast. Last evaluated: 2024-07-16. Review status: criteria provided, single submitter. Criteria: Invitae Variant Classification Sherloc (09022015). Collection method: clinical testing. Allele origin: germline.
Comment: This sequence change replaces proline, which is neutral and non-polar, with serine, which is neutral and polar, at codon 338 of the PALB2 protein (p.Pro338Ser). This variant is not present in population databases (gnomAD no frequency). This variant has not been reported in the literature in individuals affected with PALB2-related conditions. ClinVar contains an entry for this variant (Variation ID: 1003623). Advanced modeling of protein sequence and biophysical properties (such as structural, functional, and spatial information, amino acid conservation, physicochemical variation, residue mobility, and thermodynamic stability) performed at Invitae indicates that this missense variant is not expected to disrupt PALB2 protein function with a negative predictive value of 80%. In summary, the available evidence is currently insufficient to determine the role of this variant in disease. Therefore, it has been classified as a Variant of Uncertain Significance.

Ambry Genetics
Classification: Likely benign for Hereditary cancer-predisposing syndrome. Last evaluated: 2022-04-19. Review status: criteria provided, single submitter. Criteria: Ambry Variant Classification Scheme 2023. Collection method: clinical testing. Allele origin: germline.